The following is an entry in ClinVar:

NM_000038.6(APC):c.8213T>G (p.Ile2738Arg)

Gene: APC (APC regulator of Wnt signaling pathway; plus strand). Cytogenetic location: 5q22.2.
Variant type: single nucleotide variant.
Coding change: c.8213T>G on transcript NM_000038.6 (MANE Select); coding-DNA position 8213, T replaced by G.
Protein change: p.Ile2738Arg; replaces isoleucine 2738 with arginine.
Molecular consequence: missense variant.
Genome position (GRCh38, 1-based): chr5:112,843,807, T>G. VCF-style: chr5-112843807-T-G. GRCh37 (hg19) VCF-style: chr5-112179504-T-G.
Other names: c.8213T>G, p.Ile2738Arg (NM_001127510.3, NM_001354895.2, NM_001407450.1); c.8159T>G, p.Ile2720Arg (NM_001127511.3); c.8267T>G, p.Ile2756Arg (NM_001354896.2, NM_001407447.1, NM_001407448.1 and 1 more transcripts); c.8243T>G, p.Ile2748Arg (NM_001354897.2); c.8138T>G, p.Ile2713Arg (NM_001354898.2); c.8129T>G, p.Ile2710Arg (NM_001354899.2); c.8090T>G, p.Ile2697Arg (NM_001354900.2); c.8036T>G, p.Ile2679Arg (NM_001354901.2, NM_001407453.1); and 11 more; short protein forms I2455R, I2609R, I2655R, I2697R, I2756R, I2612R, I2710R, I2713R.
Identifiers: ClinVar variation 1762484 (VCV001762484.7), dbSNP rs863224552, ClinGen allele CA16039161.

ClinVar aggregate classification (germline): Uncertain significance. Review status: criteria provided, multiple submitters, no conflicts (2 of 4 stars). 2 submissions from 2 submitters: Uncertain significance (2). Last evaluated 2022-02-07.

Conditions:
Hereditary cancer-predisposing syndrome. Also called: Neoplastic Syndromes, Hereditary; Tumor predisposition; Hereditary Cancer Syndrome; Hereditary neoplastic syndrome. Identifiers: Orphanet 140162, MedGen C0027672, MeSH D009386, MONDO:0015356.
Familial adenomatous polyposis 1 (FAP1). Also called: FAMILIAL ADENOMATOUS POLYPOSIS 1, ATTENUATED; POLYPOSIS, ADENOMATOUS INTESTINAL. Identifiers: MedGen C2713442, MONDO:0021056, OMIM 175100. Disease mechanism: loss of function.

Submissions (2):

Labcorp Genetics (formerly Invitae), Labcorp
Classification: Uncertain significance for Familial adenomatous polyposis 1. Last evaluated: 2022-02-07. Review status: criteria provided, single submitter. Criteria: Invitae Variant Classification Sherloc (09022015). Collection method: clinical testing. Allele origin: germline.
Comment: This variant has not been reported in the literature in individuals affected with APC-related conditions. This variant is not present in population databases (gnomAD no frequency). This sequence change replaces isoleucine, which is neutral and non-polar, with arginine, which is basic and polar, at codon 2738 of the APC protein (p.Ile2738Arg). Algorithms developed to predict the effect of missense changes on protein structure and function (SIFT, PolyPhen-2, Align-GVGD) all suggest that this variant is likely to be tolerated. In summary, the available evidence is currently insufficient to determine the role of this variant in disease. Therefore, it has been classified as a Variant of Uncertain Significance.

Ambry Genetics
Classification: Uncertain significance for Hereditary cancer-predisposing syndrome. Last evaluated: 2021-08-04. Review status: criteria provided, single submitter. Criteria: Ambry Variant Classification Scheme 2023. Collection method: clinical testing. Allele origin: germline.
Comment: The p.I2738R variant (also known as c.8213T>G), located in coding exon 15 of the APC gene, results from a T to G substitution at nucleotide position 8213. The isoleucine at codon 2738 is replaced by arginine, an amino acid with similar properties. This amino acid position is poorly conserved in available vertebrate species. In addition, in silico predictors for this gene do not accurately predict pathogenicity. Since supporting evidence is limited at this time, the clinical significance of this alteration remains unclear.